The following is an entry in ClinVar:

ClinVar aggregate classification (germline): Uncertain significance. Review status: criteria provided, single submitter (1 of 4 stars). 2 submissions from 2 submitters: Uncertain significance (1). 1 of the submissions does not count toward it. Last evaluated 2023-11-27.

Allele frequency attached by ClinVar (database versions not stated): gnomAD exomes below 0.00001.
gnomAD v4.1: 1 of 1,614,154 alleles (0.000062%); highest among the groups gnomAD compares: Non-Finnish European, 0.000085%; no homozygotes.

Submissions (2):

Labcorp Genetics (formerly Invitae), Labcorp
Classification: Uncertain significance. Last evaluated: 2023-11-27. Review status: criteria provided, single submitter. Criteria: Invitae Variant Classification Sherloc (09022015). Collection method: clinical testing. Allele origin: germline.
Comment: This sequence change replaces serine, which is neutral and polar, with asparagine, which is neutral and polar, at codon 209 of the BEST1 protein (p.Ser209Asn). This variant is not present in population databases (gnomAD no frequency). This missense change has been observed in individual(s) with Best vitelliform macular dystrophy (PMID: 10854112). ClinVar contains an entry for this variant (Variation ID: 99730). Advanced modeling of protein sequence and biophysical properties (such as structural, functional, and spatial information, amino acid conservation, physicochemical variation, residue mobility, and thermodynamic stability) performed at Invitae indicates that this missense variant is expected to disrupt BEST1 protein function with a positive predictive value of 95%. In summary, the available evidence is currently insufficient to determine the role of this variant in disease. Therefore, it has been classified as a Variant of Uncertain Significance.

Retina International
No classification provided. Review status: no classification provided. Collection method: not provided. Allele origin: not provided. Not counted in ClinVar's aggregate classification.

Literature cited by the submitters: PubMed 10854112 (cited by Labcorp Genetics (formerly Invitae), Labcorp).

NM_004183.4(BEST1):c.626G>A (p.Ser209Asn)

Gene: BEST1 (bestrophin 1; plus strand). Cytogenetic location: 11q12.3.
Variant type: single nucleotide variant.
Coding change: c.626G>A on transcript NM_004183.4 (MANE Select); coding-DNA position 626, G replaced by A.
Protein change: p.Ser209Asn; replaces serine 209 with asparagine.
Molecular consequence: missense variant. On other transcripts: non-coding transcript variant (1).
Genome position (GRCh38, 1-based): chr11:61,956,988, G>A. VCF-style: chr11-61956988-G-A. GRCh37 (hg19) VCF-style: chr11-61724460-G-A.
Other names: c.446G>A, p.Ser149Asn (NM_001139443.3, NM_001300786.2, NM_001300787.2); c.308G>A, p.Ser103Asn (NM_001363591.3); c.626G>A, p.Ser209Asn (NM_001363592.2); c.-550G>A (NM_001363593.3); short protein forms S209N, S103N, S149N.
Identifiers: ClinVar variation 99730 (VCV000099730.6), dbSNP rs281865237, ClinGen allele CA227789.